The following is an entry in ClinVar:

NM_000159.4(GCDH):c.92-2A>C

Genes: GCDH (glutaryl-CoA dehydrogenase; plus strand), LOC117125594 (CRISPRi-FlowFISH-validated KLF1 regulatory element; plus strand). Cytogenetic location: 19p13.13.
Variant type: single nucleotide variant.
Coding change: c.92-2A>C on transcript NM_000159.4 (MANE Select); the canonical splice acceptor site of the intron before coding-DNA position 92, A replaced by C.
Molecular consequence: splice acceptor variant.
Genome position (GRCh38, 1-based): chr19:12,891,485, A>C. VCF-style: chr19-12891485-A-C. GRCh37 (hg19) VCF-style: chr19-13002299-A-C.
Other names: c.92-2A>C (NM_013976.5).
Identifiers: ClinVar variation 3641341 (VCV003641341.2).

ClinVar aggregate classification (germline): Likely pathogenic (1 of 4 stars; one submission).

Conditions:
Glutaric aciduria, type 1. Also called: Glutaric Acidemia Type 1; Glutaryl-CoA dehydrogenase deficiency; GA I; Glutaricaciduria, type I; Glutaric acidemia type I; Glutaricacidemia Type 1. Identifiers: Orphanet 25, MedGen C0268595, MONDO:0009281, OMIM 231670.

gnomAD v4.1: 1 of 1,614,220 alleles (0.000062%); highest among the groups gnomAD compares: East Asian, 0.0022%; no homozygotes.

Submission:

Labcorp Genetics (formerly Invitae), Labcorp
Classification: Likely pathogenic for Glutaric aciduria, type 1. Last evaluated: 2024-02-16. Review status: criteria provided, single submitter. Criteria: Invitae Variant Classification Sherloc (09022015). Collection method: clinical testing. Allele origin: germline.
Comment: This sequence change affects an acceptor splice site in intron 2 of the GCDH gene. It is expected to disrupt RNA splicing. Variants that disrupt the donor or acceptor splice site typically lead to a loss of protein function (PMID: 16199547), and loss-of-function variants in GCDH are known to be pathogenic (PMID: 10699052, 11854167, 16602100). This variant is not present in population databases (gnomAD no frequency). This variant has not been reported in the literature in individuals affected with GCDH-related conditions. Algorithms developed to predict the effect of sequence changes on RNA splicing suggest that this variant may disrupt the consensus splice site. In summary, the currently available evidence indicates that the variant is pathogenic, but additional data are needed to prove that conclusively. Therefore, this variant has been classified as Likely Pathogenic.

Literature cited by the submitters: PubMed 16199547; PubMed 10699052; PubMed 11854167; PubMed 16602100.